The following is an entry in ClinVar:

ClinVar aggregate classification (germline): Uncertain significance (0 of 4 stars; one submission).

Conditions:
ABCG8-related disorder. Also called: ABCG8-related condition.

gnomAD v4.1: 10 of 1,614,096 alleles (0.00062%); highest among the groups gnomAD compares: South Asian, 0.011%; no homozygotes.

Submission:

PreventionGenetics, part of Exact Sciences
Classification: Uncertain significance for ABCG8-related condition. Last evaluated: 2024-01-17. Review status: no assertion criteria provided. Collection method: clinical testing. Allele origin: germline.
Comment: The ABCG8 c.1127G>A variant is predicted to result in the amino acid substitution p.Ser376Asn. This variant occurs at the last nucleotide of an exon and is predicted to interfere with splicing at the consensus donor site based on splicing prediction programs (SpliceAI, Jaganathan K, et al. 2019. PubMed ID: 30661751). To our knowledge, this variant has not been reported in the literature. This variant is reported in 0.023% of alleles in individuals of South Asian descent in gnomAD. At this time, the clinical significance of this variant is uncertain due to the absence of conclusive functional and genetic evidence.

NM_022437.3(ABCG8):c.1127G>A (p.Ser376Asn)

Gene: ABCG8 (ATP binding cassette subfamily G member 8; plus strand). Cytogenetic location: 2p21.
Variant type: single nucleotide variant.
Coding change: c.1127G>A on transcript NM_022437.3 (MANE Select); coding-DNA position 1127, G replaced by A.
Protein change: p.Ser376Asn; replaces serine 376 with asparagine.
Molecular consequence: missense variant.
Genome position (GRCh38, 1-based): chr2:43,872,138, G>A. VCF-style: chr2-43872138-G-A. GRCh37 (hg19) VCF-style: chr2-44099277-G-A.
Other names: c.1127G>A, p.Ser376Asn (NM_001357321.2); short protein forms S376N.
Identifiers: ClinVar variation 3033866 (VCV003033866.2), dbSNP rs757910244, ClinGen allele CA1637287.